The following is an entry in ClinVar:

ClinVar aggregate classification (germline): Uncertain significance (1 of 4 stars; one submission).

Submission:

Labcorp Genetics (formerly Invitae), Labcorp
Classification: Uncertain significance. Last evaluated: 2024-04-08. Review status: criteria provided, single submitter. Criteria: Invitae Variant Classification Sherloc (09022015). Collection method: clinical testing. Allele origin: germline.
Comment: This sequence change replaces valine, which is neutral and non-polar, with isoleucine, which is neutral and non-polar, at codon 105 of the NFE2L2 protein (p.Val105Ile). This variant is not present in population databases (gnomAD no frequency). This variant has not been reported in the literature in individuals affected with NFE2L2-related conditions. An algorithm developed to predict the effect of missense changes on protein structure and function (PolyPhen-2) suggests that this variant is likely to be tolerated. In summary, the available evidence is currently insufficient to determine the role of this variant in disease. Therefore, it has been classified as a Variant of Uncertain Significance.

NM_006164.5(NFE2L2):c.313G>A (p.Val105Ile)

Gene: NFE2L2 (NFE2 like bZIP transcription factor 2; minus strand). Cytogenetic location: 2q31.2.
Variant type: single nucleotide variant.
Coding change: c.313G>A on transcript NM_006164.5 (MANE Select); coding-DNA position 313, G replaced by A.
Protein change: p.Val105Ile; replaces valine 105 with isoleucine.
Molecular consequence: missense variant. On other transcripts: intron variant (1).
Genome position (GRCh38, 1-based): chr2:177,233,339, C>T on the plus strand (G>A on the coding strand, the complement: NFE2L2 is on the minus strand). VCF-style: chr2-177233339-C-T. GRCh37 (hg19) VCF-style: chr2-178098067-C-T.
Other names: c.265G>A, p.Val89Ile (NM_001145412.3, NM_001145413.3, NM_001313900.1 and 1 more transcripts); c.94G>A, p.Val32Ile (NM_001313903.2); c.13G>A, p.Val5Ile (NM_001313904.1); c.312+666G>A (NM_001313902.2); short protein forms V105I, V5I, V89I, V32I.
Identifiers: ClinVar variation 3648118 (VCV003648118.2).
Genomic context (GRCh38, chr2:177,233,339, plus strand): 5'-GCGCCAAAAGCTGCATGCAGTCATCAAAGTACAAAGCATCTGATTTGGGAATGTGGGCAA[C>T]CTGATAAAAGGGAATGACACAAAGGAAAACAAAAATGGTTAAATATTCCATTGCCAAGCT-3'
Protein context (NP_006155.2, residues 95-115): ETSGSANYSQ[Val105Ile]AHIPKSDALY